The following is an entry in ClinVar:

NM_000313.4(PROS1):c.*197C>T

Gene: PROS1 (protein S; minus strand). Cytogenetic location: 3q11.1.
Variant type: single nucleotide variant.
Coding change: c.*197C>T on transcript NM_000313.4 (MANE Select); 197 bases downstream of the stop codon, C replaced by T.
Molecular consequence: 3 prime UTR variant.
Genome position (GRCh38, 1-based): chr3:93,874,048, G>A on the plus strand (C>T on the coding strand, the complement: PROS1 is on the minus strand). VCF-style: chr3-93874048-G-A. GRCh37 (hg19) VCF-style: chr3-93592892-G-A.
Other names: c.*197C>T (NM_001314077.2).
Identifiers: ClinVar variation 346876 (VCV000346876.5), dbSNP rs182088150, ClinGen allele CA10616764.
Genomic context (GRCh38, chr3:93,874,048, plus strand): 5'-CATTTGTAGGAAAAAAATTCAAATTTAAAATTGTTATTTTTCACTATTCTTAGATAGCAA[G>A]AGAAGTAAGAATTTCTTTACTGTGATTTATATCACAACAGAATTTTTTTCCTTGACAAAG-3'

ClinVar aggregate classification (germline): Likely benign (1 of 4 stars; one submission).

Conditions:
Thrombophilia due to protein S deficiency, autosomal dominant (THPH5). Identifiers: Orphanet 26349, Orphanet 743, MedGen C3278211, MONDO:0012868, OMIM 612336. Disease mechanism: loss of function.

Allele frequency attached by ClinVar (database versions not stated): gnomAD exomes 0.00109; gnomAD 0.00949 and 0.01026; 1000 Genomes Project 0.01038; TOPMed 0.01060; 1000 Genomes Project 30x 0.01077.
gnomAD v4.1: 1,959 of 601,564 alleles (0.33%); highest among the groups gnomAD compares: African/African-American, 3.2%; 32 homozygotes.

Submission:

Illumina Laboratory Services, Illumina
Classification: Likely benign for Thrombophilia due to protein S deficiency, autosomal dominant. Last evaluated: 2017-04-27. Review status: criteria provided, single submitter. Criteria: ICSL Variant Classification Criteria 13 December 2019. Collection method: clinical testing. Allele origin: germline.
Comment: This variant was observed as part of a predisposition screen in an ostensibly healthy population. A literature search was performed for the gene, cDNA change, and amino acid change (where applicable). No publications were found based on this search. Allele frequency data from public databases allowed determination this variant is unlikely to cause disease. Therefore, this variant is classified as likely benign.